The following is an entry in ClinVar:

NM_006231.4(POLE):c.5622T>G (p.Cys1874Trp)

Gene: POLE (DNA polymerase epsilon, catalytic subunit; minus strand). Cytogenetic location: 12q24.33.
Variant type: single nucleotide variant.
Coding change: c.5622T>G on transcript NM_006231.4 (MANE Select); coding-DNA position 5622, T replaced by G.
Protein change: p.Cys1874Trp; replaces cysteine 1874 with tryptophan.
Molecular consequence: missense variant.
Genome position (GRCh38, 1-based): chr12:132,638,070, A>C on the plus strand (T>G on the coding strand, the complement: POLE is on the minus strand). VCF-style: chr12-132638070-A-C. GRCh37 (hg19) VCF-style: chr12-133214656-A-C.
Other names: short protein forms C1874W.
Identifiers: ClinVar variation 1058036 (VCV001058036.9), dbSNP rs2138501090, ClinGen allele CA387374078.
Genomic context (GRCh38, chr12:132,638,070, plus strand): 5'-GCACCTGCTGGTGATGTACTCCACGTAAGCGATGGCATCTTCCACACGGCGCTTCTTTGT[A>C]CAGAGGATGATGCGGTTGAAGTTGGCGTAGATGACTGATGACCCCAGGCGCTTGAACTCA-3'
Protein context (NP_006222.2, residues 1864-1884): IYANFNRIIL[Cys1874Trp]TKKRRVEDAI

ClinVar aggregate classification (germline): Uncertain significance (1 of 4 stars; one submission).

Submission:

Labcorp Genetics (formerly Invitae), Labcorp
Classification: Uncertain significance. Last evaluated: 2020-09-08. Review status: criteria provided, single submitter. Criteria: Invitae Variant Classification Sherloc (09022015). Collection method: clinical testing. Allele origin: germline.
Comment: This sequence change replaces cysteine with tryptophan at codon 1874 of the POLE protein (p.Cys1874Trp). The cysteine residue is moderately conserved and there is a large physicochemical difference between cysteine and tryptophan. In summary, the available evidence is currently insufficient to determine the role of this variant in disease. Therefore, it has been classified as a Variant of Uncertain Significance. Algorithms developed to predict the effect of missense changes on protein structure and function are either unavailable or do not agree on the potential impact of this missense change (SIFT: "Deleterious"; PolyPhen-2: "Probably Damaging"; Align-GVGD: "Class C0"). This variant has not been reported in the literature in individuals with POLE-related conditions. This variant is not present in population databases (ExAC no frequency).